The following is an entry in ClinVar:

ClinVar aggregate classification (germline): Uncertain significance (1 of 4 stars; one submission).

Submission:

Ambry Genetics
Classification: Uncertain significance. Last evaluated: 2025-12-26. Review status: criteria provided, single submitter. Criteria: Ambry Variant Classification Scheme 2023. Collection method: clinical testing. Allele origin: germline.
Comment: The p.Q153H variant (also known as c.459A>T), located in coding exon 4 of the RECQL gene, results from an A to T substitution at nucleotide position 459. The glutamine at codon 153 is replaced by histidine, an amino acid with highly similar properties. This amino acid position is conserved. In addition, this alteration is predicted to be tolerated by in silico analysis. Based on the available evidence, the clinical significance of this variant remains unclear.

NM_002907.4(RECQL):c.459A>T (p.Gln153His)

Gene: RECQL (RecQ like helicase; minus strand). Cytogenetic location: 12p12.1.
Variant type: single nucleotide variant.
Coding change: c.459A>T on transcript NM_002907.4 (MANE Select); coding-DNA position 459, A replaced by T.
Protein change: p.Gln153His; replaces glutamine 153 with histidine.
Molecular consequence: missense variant.
Genome position (GRCh38, 1-based): chr12:21,486,521, T>A on the plus strand (A>T on the coding strand, the complement: RECQL is on the minus strand). VCF-style: chr12-21486521-T-A. GRCh37 (hg19) VCF-style: chr12-21639455-T-A.
Other names: c.459A>T, p.Gln153His (NM_032941.3); short protein forms Q153H.
Identifiers: ClinVar variation 4828978 (VCV004828978.1).